The following is an entry in ClinVar:

NM_001204375.2(NPR3):c.382C>T (p.Pro128Ser)

Genes: NPR3 (natriuretic peptide receptor 3; plus strand), LOC123493284 (Sharpr-MPRA regulatory region 158; plus strand). Cytogenetic location: 5p13.3.
Variant type: single nucleotide variant.
Coding change: c.382C>T on transcript NM_001204375.2 (MANE Select); coding-DNA position 382, C replaced by T.
Protein change: p.Pro128Ser; replaces proline 128 with serine.
Molecular consequence: missense variant. On other transcripts: intron variant (4).
Genome position (GRCh38, 1-based): chr5:32,712,158, C>T. VCF-style: chr5-32712158-C-T. GRCh37 (hg19) VCF-style: chr5-32712264-C-T.
Other names: c.382C>T, p.Pro128Ser (NM_000908.4); c.50-12540C>T (NM_001364458.2); c.121+1375C>T (NM_001363652.2, NM_001204376.2, NM_001364460.2); short protein forms P128S.
Identifiers: ClinVar variation 3899244 (VCV003899244.1).

ClinVar aggregate classification (germline): Likely pathogenic (1 of 4 stars; one submission).

Conditions:
Boudin-Mortier syndrome (BOMOS). Also called: Tall stature and long digits with extra epiphyses. Identifiers: MedGen C5561992, MONDO:0859194, OMIM 619543.

Submission:

Clinical Biomedical Laboratory, Shriners Hospital For Children - Canada
Classification: Likely pathogenic for Boudin-Mortier syndrome. Last evaluated: 2025-05-08. Review status: criteria provided, single submitter. Criteria: ACMG Guidelines, 2015. Collection method: clinical testing. Allele origin: germline. Affected: yes.
Comment: This variant is predicted to substitute a proline residue by a serine residue in NPR3. The variant is absent in the Genome Aggregation Database (v2.1.1). Prediction algorithms indicate this variant as damaging (Revel 0.75). The residue is highly conserved in evolution (PhyloP100way 7.15). Bi-allelic loss of function variants in NPR3 are a cause of Boudin-Mortier syndrome (PMID 30032985, 35233476). The clinical appearance associated with the homozygous variant corresponds to Boudin-Mortier syndrome, and in vitro testing indicates that the variant leads to NPR3 retention in the endoplasmic reticulum instead of being transported to the cell surface (PMID 40171685).

Literature cited by the submitters: PubMed 30032985; PubMed 35233476; PubMed 40171685.